The following is an entry in ClinVar:

NM_001288705.3(CSF1R):c.2350G>A (p.Val784Met)

Gene: CSF1R (colony stimulating factor 1 receptor; minus strand). Cytogenetic location: 5q32.
Variant type: single nucleotide variant.
Coding change: c.2350G>A on transcript NM_001288705.3 (MANE Select); coding-DNA position 2350, G replaced by A.
Protein change: p.Val784Met; replaces valine 784 with methionine.
Molecular consequence: missense variant. On other transcripts: non-coding transcript variant (2).
Genome position (GRCh38, 1-based): chr5:150,056,311, C>T on the plus strand (G>A on the coding strand, the complement: CSF1R is on the minus strand). VCF-style: chr5-150056311-C-T. GRCh37 (hg19) VCF-style: chr5-149435874-C-T.
Other names: c.2350G>A, p.Val784Met (NM_001349736.2, NM_001375320.1, NM_005211.4); c.1906G>A, p.Val636Met (NM_001375321.1); short protein forms V784M, V636M.
Identifiers: ClinVar variation 162128 (VCV000162128.3), dbSNP rs690016564, ClinGen allele CA346102.

ClinVar aggregate classification (germline): Conflicting classifications of pathogenicity. Review status: criteria provided, conflicting classifications (1 of 4 stars). 3 submissions from 3 submitters: Likely pathogenic (1); Uncertain significance (1). 1 of the submissions does not count toward it. Last evaluated 2025-10-19.

Conditions:
Brain abnormalities, neurodegeneration, and dysosteosclerosis. Identifiers: MedGen C5193117, MONDO:0032772, OMIM 618476.
Hereditary diffuse leukoencephalopathy with spheroids. Also called: LEUKOENCEPHALOPATHY, ADULT-ONSET, WITH AXONAL SPHEROIDS AND PIGMENTED GLIA. Identifiers: Orphanet 313808, MedGen C3711381, MONDO:0030796.

Submissions (3):

Labcorp Genetics (formerly Invitae), Labcorp
Classification: Uncertain significance. Last evaluated: 2025-10-19. Review status: criteria provided, single submitter. Criteria: Invitae Variant Classification Sherloc (09022015). Collection method: clinical testing. Allele origin: germline.
Comment: This sequence change replaces valine, which is neutral and non-polar, with methionine, which is neutral and non-polar, at codon 784 of the CSF1R protein (p.Val784Met). This variant is not present in population databases (gnomAD no frequency). This missense change has been observed in individuals with clinical features of hereditary diffuse leukoencephalopathy with spheroids (PMID: 25012610, 38576039, 39957072; internal data). ClinVar contains an entry for this variant (Variation ID: 162128). Invitae Evidence Modeling of protein sequence and biophysical properties (such as structural, functional, and spatial information, amino acid conservation, physicochemical variation, residue mobility, and thermodynamic stability) has been performed for this missense variant. However, the output from this modeling did not meet the statistical confidence thresholds required to predict the impact of this variant on CSF1R protein function. In summary, the available evidence is currently insufficient to determine the role of this variant in disease. Therefore, it has been classified as a Variant of Uncertain Significance.

Genomic Medicine Center of Excellence, King Faisal Specialist Hospital and Research Centre
Classification: Likely pathogenic for Brain abnormalities, neurodegeneration, and dysosteosclerosis. Last evaluated: 2024-03-29. Review status: criteria provided, single submitter. Criteria: ACMG Guidelines, 2015. Collection method: clinical testing. Allele origin: germline.

GeneReviews
No classification provided. Condition: Hereditary diffuse leukoencephalopathy with spheroids. Review status: no classification provided. Collection method: literature only. Allele origin: germline. Affected: yes. Not counted in ClinVar's aggregate classification.

Literature cited by the submitters: PubMed 25012610 (cited by Labcorp Genetics (formerly Invitae), Labcorp and GeneReviews); PubMed 38576039 (cited by Labcorp Genetics (formerly Invitae), Labcorp); PubMed 39957072 (cited by Labcorp Genetics (formerly Invitae), Labcorp); NCBI Bookshelf NBK100239 (cited by GeneReviews).